The following is an entry in ClinVar:

ClinVar aggregate classification (germline): Likely benign. Review status: criteria provided, multiple submitters, no conflicts (2 of 4 stars). 2 submissions from 2 submitters: Likely benign (2). Last evaluated 2025-11-26.

Conditions:
CEP290-related disorder. Also called: CEP290-related condition; CEP290-related disorders. Identifiers: MedGen CN239314.
Meckel-Gruber syndrome. Also called: DYSENCEPHALIA SPLANCHNOCYSTICA; Dysencephalia splachnocystica; GRUBER SYNDROME. Identifiers: Orphanet 564, MedGen C0265215, MONDO:0018921.
Joubert syndrome. Also called: Familial aplasia of the vermis; JOUBERT-BOLTSHAUSER SYNDROME. Identifiers: Orphanet 475, MedGen C5979921, MONDO:0018772.
Nephronophthisis. Also called: Juvenile Nephronophthisis. Identifiers: Orphanet 655, MedGen C0687120, MONDO:0019005, HP:0000090.

Allele frequency attached by ClinVar (database versions not stated): TOPMed below 0.00001.

Submissions (2):

PreventionGenetics, part of Exact Sciences
Classification: Likely benign for CEP290-related condition. Last evaluated: 2025-11-26. Review status: criteria provided, single submitter. Criteria: ACMG Guidelines, 2015. Collection method: clinical testing. Allele origin: germline.
Comment: This variant is classified as likely benign based on ACMG/AMP sequence variant interpretation guidelines (Richards et al. 2015 PMID: 25741868, with internal and published modifications).

Labcorp Genetics (formerly Invitae), Labcorp
Classification: Likely benign for Joubert syndrome; Meckel-Gruber syndrome; Nephronophthisis. Last evaluated: 2021-02-23. Review status: criteria provided, single submitter. Criteria: Invitae Variant Classification Sherloc (09022015). Collection method: clinical testing. Allele origin: germline.

NM_025114.4(CEP290):c.6961-5dup

Gene: CEP290 (centrosomal protein 290; minus strand). Cytogenetic location: 12q21.32.
Variant type: Duplication.
Coding change: c.6961-5dup on transcript NM_025114.4 (MANE Select); 5 bases into the intron before coding-DNA position 6961, one base duplicated (C; older notation c.6961-5dupC).
Molecular consequence: intron variant.
Genome position (GRCh38, 1-based): chr12:88,054,418, G duplicated on the plus strand (C on the coding strand, the reverse complement: CEP290 is on the minus strand). VCF-style (leftmost placement, unchanged base first): chr12-88054417-T-TG. GRCh37 (hg19) VCF-style: chr12-88448194-T-TG.
Other names: c.6961-5dupC (NM_025114.3).
Identifiers: ClinVar variation 1121609 (VCV001121609.10), dbSNP rs2033832669, ClinGen allele CA2052902269.